The following is an entry in ClinVar:

NM_000152.5(GAA):c.1577T>C (p.Ile526Thr)

Gene: GAA (alpha glucosidase; plus strand). Cytogenetic location: 17q25.3.
Variant type: single nucleotide variant.
Coding change: c.1577T>C on transcript NM_000152.5 (MANE Select); coding-DNA position 1577, T replaced by C.
Protein change: p.Ile526Thr; replaces isoleucine 526 with threonine.
Molecular consequence: missense variant.
Genome position (GRCh38, 1-based): chr17:80,110,966, T>C. VCF-style: chr17-80110966-T-C. GRCh37 (hg19) VCF-style: chr17-78084765-T-C.
Other names: c.1577T>C, p.Ile526Thr (NM_001079803.3, NM_001079804.3, NM_001406741.1 and 1 more transcripts); short protein forms I526T.
Identifiers: ClinVar variation 4876561 (VCV004876561.1).

ClinVar aggregate classification (germline): Uncertain significance (1 of 4 stars; one submission).

Conditions:
Glycogen storage disease, type II (IOPD). Also called: Pompe Disease; CARDIOMEGALIA GLYCOGENICA DIFFUSA; GLYCOGENOSIS, GENERALIZED, CARDIAC FORM; GSD II; POMPE DISEASE, INFANTILE-ONSET; GLYCOGEN STORAGE DISEASE II, INFANTILE-ONSET. Identifiers: Orphanet 365, MedGen C0017921, MONDO:0009290, OMIM 232300.

Submission:

Genomenon, Inc
Classification: Uncertain significance for Glycogen storage disease, type II. Last evaluated: 2026-07-01. Review status: criteria provided, single submitter. Criteria: Genomenon Sequence Variant Interpretation Standards - Updated. Collection method: curation. Allele origin: germline. Affected: no.
Comment: GAA p.Ile526Thr (c.1577T>C) is a missense variant that changes the amino acid at codon 526 from Isoleucine to Threonine. This variant has been reported in the published literature (PMID:34995642). It is absent or not present at a significant frequency in gnomAD. In silico models predict that this variant is not damaging. In conclusion, we classify GAA p.Ile526Thr (c.1577T>C) as a variant of uncertain significance.

Literature cited by the submitters: PubMed 34995642.